The following is an entry in ClinVar:

ClinVar aggregate classification (germline): Uncertain significance. Review status: criteria provided, multiple submitters, no conflicts (2 of 4 stars). 2 submissions from 2 submitters: Uncertain significance (2). Last evaluated 2024-11-11.

Conditions:
Early-infantile DEE. Also called: Early infantile epileptic encephalopathy; Ohtahara syndrome; Early infantile epileptic encephalopathy with suppression bursts. Identifiers: Orphanet 1934, MedGen C0393706, MONDO:0800491.

Submissions (2):

Labcorp Genetics (formerly Invitae), Labcorp
Classification: Uncertain significance for Early-infantile DEE. Last evaluated: 2024-11-11. Review status: criteria provided, single submitter. Criteria: Invitae Variant Classification Sherloc (09022015). Collection method: clinical testing. Allele origin: germline.
Comment: This sequence change replaces methionine, which is neutral and non-polar, with threonine, which is neutral and polar, at codon 1778 of the SPTAN1 protein (p.Met1778Thr). This variant is not present in population databases (gnomAD no frequency). This variant has not been reported in the literature in individuals affected with SPTAN1-related conditions. ClinVar contains an entry for this variant (Variation ID: 2009713). Invitae Evidence Modeling of protein sequence and biophysical properties (such as structural, functional, and spatial information, amino acid conservation, physicochemical variation, residue mobility, and thermodynamic stability) has been performed for this missense variant. However, the output from this modeling did not meet the statistical confidence thresholds required to predict the impact of this variant on SPTAN1 protein function. In summary, the available evidence is currently insufficient to determine the role of this variant in disease. Therefore, it has been classified as a Variant of Uncertain Significance.

Greenwood Genetic Center Diagnostic Laboratories, Greenwood Genetic Center
Classification: Uncertain significance. Last evaluated: 2024-05-10. Review status: criteria provided, single submitter. Criteria: ACMG Guidelines, 2015. Collection method: clinical testing. Allele origin: germline. Affected: yes.
Comment: PM2, BS2

NM_001130438.3(SPTAN1):c.5333T>C (p.Met1778Thr)

Gene: SPTAN1 (spectrin alpha, non-erythrocytic 1; plus strand). Cytogenetic location: 9q34.11.
Variant type: single nucleotide variant.
Coding change: c.5333T>C on transcript NM_001130438.3 (MANE Select); coding-DNA position 5333, T replaced by C.
Protein change: p.Met1778Thr; replaces methionine 1778 with threonine.
Molecular consequence: missense variant.
Genome position (GRCh38, 1-based): chr9:128,615,816, T>C. VCF-style: chr9-128615816-T-C. GRCh37 (hg19) VCF-style: chr9-131378095-T-C.
Other names: c.5258T>C, p.Met1753Thr (NM_001195532.2); c.5333T>C, p.Met1778Thr (NM_001363759.2, NM_001375310.1, NM_001375311.2 and 1 more transcripts); c.5273T>C, p.Met1758Thr (NM_001363765.2, NM_001375314.2); c.5369T>C, p.Met1790Thr (NM_001375312.2, NM_001375318.1); c.5318T>C, p.Met1773Thr (NM_003127.4); short protein forms M1773T, M1790T, M1758T, M1753T, M1778T.
Identifiers: ClinVar variation 2009713 (VCV002009713.5), dbSNP rs2541887868, ClinGen allele CA375074985.